The following is an entry in ClinVar:

NM_000263.4(NAGLU):c.2044C>G (p.Leu682Val)

Gene: NAGLU (N-acetyl-alpha-glucosaminidase; plus strand). Cytogenetic location: 17q21.2.
Variant type: single nucleotide variant.
Coding change: c.2044C>G on transcript NM_000263.4 (MANE Select); coding-DNA position 2044, C replaced by G.
Protein change: p.Leu682Val; replaces leucine 682 with valine.
Molecular consequence: missense variant.
Genome position (GRCh38, 1-based): chr17:42,544,050, C>G. VCF-style: chr17-42544050-C-G. GRCh37 (hg19) VCF-style: chr17-40696068-C-G.
Other names: short protein forms L682V.
Identifiers: ClinVar variation 623900 (VCV000623900.46), dbSNP rs1567894363, ClinGen allele CA399605981.

ClinVar aggregate classification (germline): Conflicting classifications of pathogenicity. Review status: criteria provided, conflicting classifications (1 of 4 stars). 2 submissions from 2 submitters: Likely pathogenic (1); Uncertain significance (1). Last evaluated 2023-03-19.

Conditions:
Charcot-Marie-Tooth disease axonal type 2V. Also called: CHARCOT-MARIE-TOOTH NEUROPATHY, TYPE 2V; CHARCOT-MARIE-TOOTH DISEASE, AXONAL, AUTOSOMAL DOMINANT, TYPE 2V. Identifiers: Orphanet 447964, MedGen C5569050, MONDO:0014665, OMIM 616491.
Mucopolysaccharidosis, MPS-III-B (MPS3B). Also called: N-ACETYL-ALPHA-D-GLUCOSAMINIDASE DEFICIENCY; NAGLU DEFICIENCY; SANFILIPPO SYNDROME B; Mucopolysaccharidosis type IIIB (Sanfilippo B); MPS IIIB (Sanfilippo Syndrome Type B); MPS III B. Identifiers: Orphanet 79270, MedGen C0086648, MONDO:0009656, OMIM 252920.

Submissions (2):

Labcorp Genetics (formerly Invitae), Labcorp
Classification: Likely pathogenic for Charcot-Marie-Tooth disease axonal type 2V; Mucopolysaccharidosis, MPS-III-B. Last evaluated: 2023-03-19. Review status: criteria provided, single submitter. Criteria: Invitae Variant Classification Sherloc (09022015). Collection method: clinical testing. Allele origin: germline.
Comment: This variant is not present in population databases (gnomAD no frequency). In summary, the currently available evidence indicates that the variant is pathogenic, but additional data are needed to prove that conclusively. Therefore, this variant has been classified as Likely Pathogenic. This variant disrupts the p.Leu682 amino acid residue in NAGLU. Other variant(s) that disrupt this residue have been determined to be pathogenic (PMID: 9443878, 11793481, 33747789). This suggests that this residue is clinically significant, and that variants that disrupt this residue are likely to be disease-causing. Advanced modeling of protein sequence and biophysical properties (such as structural, functional, and spatial information, amino acid conservation, physicochemical variation, residue mobility, and thermodynamic stability) performed at Invitae indicates that this missense variant is expected to disrupt NAGLU protein function. ClinVar contains an entry for this variant (Variation ID: 623900). This variant has not been reported in the literature in individuals affected with NAGLU-related conditions. This sequence change replaces leucine, which is neutral and non-polar, with valine, which is neutral and non-polar, at codon 682 of the NAGLU protein (p.Leu682Val).

CeGaT Center for Human Genetics Tuebingen
Classification: Uncertain significance. Last evaluated: 2018-05-01. Review status: criteria provided, single submitter. Criteria: CeGaT Center For Human Genetics Tuebingen Variant Classification Criteria Version 2. Collection method: clinical testing. Allele origin: germline. Affected: yes. Observed: 4 variant alleles.

Literature cited by the submitters: PubMed 9443878 (cited by Labcorp Genetics (formerly Invitae), Labcorp); PubMed 11793481 (cited by Labcorp Genetics (formerly Invitae), Labcorp); PubMed 33747789 (cited by Labcorp Genetics (formerly Invitae), Labcorp).